The following is an entry in ClinVar:

ClinVar aggregate classification (germline): Uncertain significance (1 of 4 stars; one submission).

Conditions:
Methylcobalamin deficiency type cblE (HMAE). Also called: HOMOCYSTINURIA-MEGALOBLASTIC ANEMIA, cblE COMPLEMENTATION TYPE; HOMOCYSTINURIA-MEGALOBLASTIC ANEMIA, cblE TYPE; VITAMIN B12-RESPONSIVE HOMOCYSTINURIA, cblE TYPE. Identifiers: Orphanet 2169, Orphanet 622, MedGen C1856057, MONDO:0009354, OMIM 236270.

Allele frequency attached by ClinVar (database versions not stated): gnomAD exomes below 0.00001; TOPMed below 0.00001.
gnomAD v4.1: 1 of 1,613,832 alleles (0.000062%); highest among the groups gnomAD compares: East Asian, 0.0022%; no homozygotes.

Submission:

3billion
Classification: Uncertain significance for Methylcobalamin deficiency type cblE. Last evaluated: 2023-02-23. Review status: criteria provided, single submitter. Criteria: ACMG Guidelines, 2015. Collection method: clinical testing. Allele origin: unknown. Affected: yes.
Comment: The variant is not observed in the gnomAD v2.1.1 dataset. In silico tool predictions suggest damaging effect of the variant on gene or gene product (REVEL: 0.63). However, the evidence of pathogenicity is insufficient at this time. Therefore, this variant is classified as VUS according to the recommendation of ACMG/AMP guideline.

NM_002454.3(MTRR):c.320G>A (p.Gly107Glu)

Gene: MTRR (5-methyltetrahydrofolate-homocysteine methyltransferase reductase; plus strand). Cytogenetic location: 5p15.31.
Variant type: single nucleotide variant.
Coding change: c.320G>A on transcript NM_002454.3 (MANE Select); coding-DNA position 320, G replaced by A.
Protein change: p.Gly107Glu; replaces glycine 107 with glutamic acid.
Molecular consequence: missense variant. On other transcripts: non-coding transcript variant (14).
Genome position (GRCh38, 1-based): chr5:7,875,294, G>A. VCF-style: chr5-7875294-G-A. GRCh37 (hg19) VCF-style: chr5-7875407-G-A.
Other names: c.320G>A, p.Gly107Glu (NM_001364440.2, NM_001364441.2, NM_001364442.2 and 1 more transcripts); short protein forms G107E.
Identifiers: ClinVar variation 2444298 (VCV002444298.1), dbSNP rs1748685045, ClinGen allele CA359156472.